The following is an entry in ClinVar:

ClinVar aggregate classification (germline): Likely benign (1 of 4 stars; one submission).

Conditions:
NRP2-related disorder. Also called: NRP2-related condition.

gnomAD v4.1: 5 of 1,614,096 alleles (0.00031%); highest among the groups gnomAD compares: Admixed American, 0.0083%; no homozygotes.

Submission:

PreventionGenetics, part of Exact Sciences
Classification: Likely benign for NRP2-related condition. Last evaluated: 2024-11-15. Review status: criteria provided, single submitter. Criteria: ACMG Guidelines, 2015. Collection method: clinical testing. Allele origin: germline.
Comment: This variant is classified as likely benign based on ACMG/AMP sequence variant interpretation guidelines (Richards et al. 2015 PMID: 25741868, with internal and published modifications).

NM_003872.3(NRP2):c.516C>T (p.Asn172=)

Gene: NRP2 (neuropilin 2; plus strand). Cytogenetic location: 2q33.3.
Variant type: single nucleotide variant.
Coding change: c.516C>T on transcript NM_003872.3 (MANE Select); coding-DNA position 516, C replaced by T.
Protein change: p.Asn172=; no amino-acid change (asparagine 172 retained).
Molecular consequence: synonymous variant.
Genome position (GRCh38, 1-based): chr2:205,722,560, C>T. VCF-style: chr2-205722560-C-T. GRCh37 (hg19) VCF-style: chr2-206587284-C-T.
Other names: c.516C>T, p.Asn172= (NM_018534.4, NM_201264.2, NM_201266.2 and 2 more transcripts).
Identifiers: ClinVar variation 4986062 (VCV004986062.1).
Genomic context (GRCh38, chr2:205,722,560, plus strand): 5'-CTTCACAAGCCCCAACGGGACCATCGAATCTCCTGGGTTTCCTGAGAAGTATCCACACAA[C>T]TTGGACTGCACCTTTACCATCCTGGCCAAACCCAAGATGGAGATCATCCTGCAGTTCCTG-3'
Protein context (NP_003863.2, residues 162-182): SPGFPEKYPH[Asn172=]LDCTFTILAK